The following is an entry in ClinVar:

NM_001256007.3(PNPLA8):c.1328G>A (p.Arg443Gln)

Gene: PNPLA8 (patatin like domain 8, phospholipase A2; minus strand). Cytogenetic location: 7q31.1.
Variant type: single nucleotide variant.
Coding change: c.1328G>A on transcript NM_001256007.3 (MANE Select); coding-DNA position 1328, G replaced by A.
Protein change: p.Arg443Gln; replaces arginine 443 with glutamine.
Molecular consequence: missense variant.
Genome position (GRCh38, 1-based): chr7:108,502,521, C>T on the plus strand (G>A on the coding strand, the complement: PNPLA8 is on the minus strand). VCF-style: chr7-108502521-C-T. GRCh37 (hg19) VCF-style: chr7-108142965-C-T.
Other names: c.1328G>A, p.Arg443Gln (NM_001256008.3, NM_001256009.3, NM_015723.5); c.1028G>A, p.Arg343Gln (NM_001256010.3, NM_001256011.3); short protein forms R443Q, R343Q.
Identifiers: ClinVar variation 2076728 (VCV002076728.2), dbSNP rs140208711, ClinGen allele CA4439633.

ClinVar aggregate classification (germline): Uncertain significance. Review status: criteria provided, multiple submitters, no conflicts (2 of 4 stars). 2 submissions from 2 submitters: Uncertain significance (2). Last evaluated 2022-08-03.

Conditions:
Inborn genetic diseases. Identifiers: MedGen C0950123, MeSH D030342.

Allele frequency attached by ClinVar (database versions not stated): gnomAD exomes 0.00002; ExAC 0.00004; ESP Exome Variant Server 0.00008; TOPMed 0.00017; gnomAD 0.00019.

Submissions (2):

Labcorp Genetics (formerly Invitae), Labcorp
Classification: Uncertain significance. Last evaluated: 2022-08-03. Review status: criteria provided, single submitter. Criteria: Invitae Variant Classification Sherloc (09022015). Collection method: clinical testing. Allele origin: germline.
Comment: This sequence change replaces arginine, which is basic and polar, with glutamine, which is neutral and polar, at codon 443 of the PNPLA8 protein (p.Arg443Gln). This variant is present in population databases (rs140208711, gnomAD 0.04%). This variant has not been reported in the literature in individuals affected with PNPLA8-related conditions. Algorithms developed to predict the effect of missense changes on protein structure and function (SIFT, PolyPhen-2, Align-GVGD) all suggest that this variant is likely to be tolerated. In summary, the available evidence is currently insufficient to determine the role of this variant in disease. Therefore, it has been classified as a Variant of Uncertain Significance.

Ambry Genetics
Classification: Uncertain significance for Inborn genetic diseases. Last evaluated: 2021-08-30. Review status: criteria provided, single submitter. Criteria: Ambry Variant Classification Scheme 2023. Collection method: clinical testing. Allele origin: germline.